The following is an entry in ClinVar:

ClinVar aggregate classification (germline): Pathogenic. Review status: criteria provided, multiple submitters, no conflicts (2 of 4 stars). 2 submissions from 2 submitters: Pathogenic (2). Last evaluated 2022-11-22.

Conditions:
Cardiovascular phenotype. Identifiers: MedGen CN230736.
Hereditary cancer-predisposing syndrome. Also called: Hereditary Cancer Syndrome; Tumor predisposition; Hereditary neoplastic syndrome; Neoplastic Syndromes, Hereditary. Identifiers: Orphanet 140162, MedGen C0027672, MeSH D009386, MONDO:0015356.
Neurofibromatosis, type 1 (NF1). Also called: Neurofibromatosis, type I; Peripheral type neurofibromatosis; NEUROFIBROMATOSIS, TYPE I, SOMATIC; VON RECKLINGHAUSEN DISEASE. Identifiers: Orphanet 636, MedGen C0027831, MONDO:0018975, OMIM 162200. Disease mechanism: loss of function.

Submissions (2):

Ambry Genetics
Classification: Pathogenic for Cardiovascular phenotype; Hereditary cancer-predisposing syndrome. Last evaluated: 2022-11-22. Review status: criteria provided, single submitter. Criteria: Ambry Variant Classification Scheme 2023. Collection method: clinical testing. Allele origin: germline.
Comment: The c.1934dupT pathogenic mutation, located in coding exon 17 of the NF1 gene, results from a duplication of T at nucleotide position 1934, causing a translational frameshift with a predicted alternate stop codon (p.M645Ifs*4). This variant is considered to be rare based on population cohorts in the Genome Aggregation Database (gnomAD). This alteration is expected to result in loss of function by premature protein truncation or nonsense-mediated mRNA decay. As such, this alteration is interpreted as a disease-causing mutation.

Labcorp Genetics (formerly Invitae), Labcorp
Classification: Pathogenic for Neurofibromatosis, type 1. Last evaluated: 2022-08-09. Review status: criteria provided, single submitter. Criteria: Invitae Variant Classification Sherloc (09022015). Collection method: clinical testing. Allele origin: germline.
Comment: This sequence change creates a premature translational stop signal (p.Met645Ilefs*4) in the NF1 gene. It is expected to result in an absent or disrupted protein product. Loss-of-function variants in NF1 are known to be pathogenic (PMID: 10712197, 23913538). This variant is not present in population databases (gnomAD no frequency). This variant has not been reported in the literature in individuals affected with NF1-related conditions. For these reasons, this variant has been classified as Pathogenic.

Literature cited by the submitters: PubMed 10712197 (cited by Labcorp Genetics (formerly Invitae), Labcorp); PubMed 23913538 (cited by Labcorp Genetics (formerly Invitae), Labcorp).

NM_001042492.3(NF1):c.1934dup (p.Met645fs)

Gene: NF1 (neurofibromin 1; plus strand). Cytogenetic location: 17q11.2.
Variant type: Duplication.
Coding change: c.1934dup on transcript NM_001042492.3 (MANE Select); coding-DNA position 1934, one base duplicated (T; older notation c.1934dupT).
Protein change: p.Met645fs; shifts the reading frame from methionine 645.
Molecular consequence: frameshift variant.
Genome position (GRCh38, 1-based): chr17:31,225,183, T duplicated. VCF-style (leftmost placement, unchanged base first): chr17-31225182-A-AT. GRCh37 (hg19) VCF-style: chr17-29552200-A-AT.
Other names: c.1934dup, p.Met645Ilefs (NM_000267.4); c.1934dupT (NM_000267.3); short protein forms M645fs.
Identifiers: ClinVar variation 2000159 (VCV002000159.5), dbSNP rs2508141884, ClinGen allele CA2580092909.